The following is an entry in ClinVar:

NM_016341.4(PLCE1):c.5035+12C>A

Genes: PLCE1 (phospholipase C epsilon 1; plus strand), PLCE1-AS1 (PLCE1 antisense RNA 1; minus strand). Cytogenetic location: 10q23.33.
Variant type: single nucleotide variant.
Coding change: c.5035+12C>A on transcript NM_016341.4 (MANE Select); 12 bases into the intron after coding-DNA position 5035, C replaced by A.
Molecular consequence: intron variant.
Genome position (GRCh38, 1-based): chr10:94,284,977, C>A. VCF-style: chr10-94284977-C-A. GRCh37 (hg19) VCF-style: chr10-96044734-C-A.
Other names: c.4987+12C>A (NM_001288989.2); c.4111+12C>A (NM_001165979.2).
Identifiers: ClinVar variation 260722 (VCV000260722.25), dbSNP rs3736901, ClinGen allele CA5613270.
Genomic context (GRCh38, chr10:94,284,977, plus strand): 5'-CCAGAGCTTTCTGACCTTGTAATCTATTGTCAAGCAGTAAAATTTCCAGGTAAGATTAGG[C>A]AATATCATCTATAACTTTTAAAGATATCAAAGGTTAAAAATATGCCATTTATTTAATTGG-3'

ClinVar aggregate classification (germline): Benign. Review status: criteria provided, multiple submitters, no conflicts (2 of 4 stars). 11 submissions from 11 submitters: Benign (9). 2 of the submissions do not count toward it. Last evaluated 2026-02-04.

Conditions:
Nephrotic syndrome, type 3 (NPHS3). Also called: NEPHROTIC SYNDROME, EARLY-ONSET, TYPE 3. Identifiers: Orphanet 656, MedGen C1853124, MONDO:0012546, OMIM 610725.

Allele frequency attached by ClinVar (database versions not stated): 1000 Genomes Project 30x 0.22845; 1000 Genomes Project 0.23023; ESP Exome Variant Server 0.27174; TOPMed 0.27583; gnomAD 0.28787 and 0.28906; ExAC 0.34313; gnomAD exomes 0.35334 and 0.36923.
gnomAD v4.1: 499,153 of 1,389,412 alleles (36%); highest among the groups gnomAD compares: Admixed American, 50%; 95,281 homozygotes.

Submissions (11):

Labcorp Genetics (formerly Invitae), Labcorp
Classification: Benign. Last evaluated: 2026-02-04. Review status: criteria provided, single submitter. Criteria: Invitae Variant Classification Sherloc (09022015). Collection method: clinical testing. Allele origin: germline.

Blueprint Genetics
Classification: Benign. Last evaluated: 2024-11-27. Review status: criteria provided, single submitter. Criteria: ACMG Guidelines, 2015. Collection method: clinical testing. Allele origin: germline.

Unidad de Genómica Garrahan, Hospital de Pediatría Garrahan
Classification: Benign. Last evaluated: 2024-07-15. Review status: criteria provided, single submitter. Criteria: ACMG Guidelines, 2015. Collection method: clinical testing. Allele origin: germline. Affected: no. Observed: 59 variant alleles.
Comment: This variant is classified as Benign based on local population frequency. This variant was detected in 63% of patients studied in a panel designed for Epileptic and Developmental Encephalopathy and Progressive Myoclonus Epilepsy. Number of patients: 59. Only high quality variants are reported.

Genome-Nilou Lab
Classification: Benign for Nephrotic syndrome, type 3. Last evaluated: 2021-10-25. Review status: criteria provided, single submitter. Criteria: ACMG Guidelines, 2015. Collection method: clinical testing. Allele origin: germline. Affected: no.

GeneDx
Classification: Benign. Last evaluated: 2018-11-12. Review status: criteria provided, single submitter. Criteria: GeneDx Variant Classification Process June 2021. Collection method: clinical testing. Allele origin: germline. Affected: yes.

Illumina Laboratory Services, Illumina
Classification: Benign for Nephrotic syndrome, type 3. Last evaluated: 2018-01-13. Review status: criteria provided, single submitter. Criteria: ICSL Variant Classification Criteria 13 December 2019. Collection method: clinical testing. Allele origin: germline.
Comment: This variant was observed in the ICSL laboratory as part of a predisposition screen in an ostensibly healthy population. It had not been previously curated by ICSL or reported in the Human Gene Mutation Database (HGMD: prior to June 1st, 2018), and was therefore a candidate for classification through an automated scoring system. Utilizing variant allele frequency, disease prevalence and penetrance estimates, and inheritance mode, an automated score was calculated to assess if this variant is too frequent to cause the disease. Based on the score and internal cut-off values, a variant classified as benign is not then subjected to further curation. The score for this variant resulted in a classification of benign for this disease.

Genome Diagnostics Laboratory, University Medical Center Utrecht
Classification: Benign for Nephrotic syndrome, type 3. Last evaluated: 2014-10-09. Review status: criteria provided, single submitter. Criteria: ACGS Guidelines, 2013. Collection method: clinical testing. Allele origin: germline. Affected: yes. Study: VKGL Data-share Consensus.

Breakthrough Genomics
Classification: Benign. Review status: criteria provided, single submitter. Criteria: ACMG Guidelines, 2015. Collection method: not provided. Allele origin: germline. Inheritance: Autosomal recessive inheritance. Affected: yes.

PreventionGenetics, part of Exact Sciences
Classification: Benign. Review status: criteria provided, single submitter. Criteria: ACMG Guidelines, 2015. Collection method: clinical testing. Allele origin: germline.

Diagnostic Laboratory, Department of Genetics, University Medical Center Groningen
Classification: Benign for Nephrotic syndrome, type 3. Review status: no assertion criteria provided. Collection method: clinical testing. Allele origin: germline. Affected: yes. Study: VKGL Data-share Consensus. Not counted in ClinVar's aggregate classification.

Joint Genome Diagnostic Labs from Nijmegen and Maastricht, Radboudumc and MUMC+
Classification: Benign. Review status: no assertion criteria provided. Collection method: clinical testing. Allele origin: germline. Affected: yes. Study: VKGL Data-share Consensus. Not counted in ClinVar's aggregate classification.